The following is an entry in ClinVar:

ClinVar aggregate classification (germline): Uncertain significance (1 of 4 stars; one submission).

gnomAD v4.1: 13 of 1,603,236 alleles (0.00081%); highest among the groups gnomAD compares: Non-Finnish European, 0.00094%; no homozygotes.

Submission:

CeGaT Center for Human Genetics Tuebingen
Classification: Uncertain significance. Last evaluated: 2024-09-01. Review status: criteria provided, single submitter. Criteria: CeGaT Center For Human Genetics Tuebingen Variant Classification Criteria Version 2. Collection method: clinical testing. Allele origin: germline. Affected: yes. Observed: 1 variant allele.
Comment: PPM1D: PP2

NM_003620.4(PPM1D):c.473C>A (p.Ala158Glu)

Gene: PPM1D (protein phosphatase, Mg2+/Mn2+ dependent 1D; plus strand). Cytogenetic location: 17q23.2.
Variant type: single nucleotide variant.
Coding change: c.473C>A on transcript NM_003620.4 (MANE Select); coding-DNA position 473, C replaced by A.
Protein change: p.Ala158Glu; replaces alanine 158 with glutamic acid.
Molecular consequence: missense variant.
Genome position (GRCh38, 1-based): chr17:60,623,521, C>A. VCF-style: chr17-60623521-C-A. GRCh37 (hg19) VCF-style: chr17-58700882-C-A.
Other names: short protein forms A158E.
Identifiers: ClinVar variation 3388318 (VCV003388318.14).
Genomic context (GRCh38, chr17:60,623,521, plus strand): 5'-TCCTGACAGTGTATTAATGTTTATACTTGCAAGAGTGAAATATTTTATTTCTTATTACAG[C>A]GGAATGGCCAAAGACTATGACGGGTCTTCCTAGCACATCAGGGACAACTGCCAGTGTGGT-3'
Protein context (NP_003611.1, residues 148-168): ACHLAMWKKL[Ala158Glu]EWPKTMTGLP